The following is an entry in ClinVar:

NM_001042492.3(NF1):c.4744_4745del (p.Glu1582fs)

Gene: NF1 (neurofibromin 1; plus strand). Cytogenetic location: 17q11.2.
Variant type: Deletion.
Coding change: c.4744_4745del on transcript NM_001042492.3 (MANE Select); coding-DNA positions 4744 to 4745, 2 bases deleted (GA; older notation c.4744_4745delGA).
Protein change: p.Glu1582fs; shifts the reading frame from glutamic acid 1582.
Molecular consequence: frameshift variant.
Genome position (GRCh38, 1-based): chr17:31,265,248-31,265,249, GA deleted; deleting any 2 consecutive bases within chr17:31,265,247-31,265,249 gives the same sequence; the c. name uses the placement nearest the transcript's 3' end. VCF-style (leftmost placement, unchanged base first): chr17-31265246-AAG-A. GRCh37 (hg19) VCF-style: chr17-29592264-AAG-A.
Other names: c.4681_4682delGA (NM_000267.3); c.4681_4682delGA, p.Glu1561Argfs (NM_000267.4); short protein forms E1561fs, E1582fs.
Identifiers: ClinVar variation 547649 (VCV000547649.8), dbSNP rs1555619395, ClinGen allele CA658824768.

ClinVar aggregate classification (germline): Pathogenic/Likely pathogenic. Review status: criteria provided, multiple submitters, no conflicts (2 of 4 stars). 3 submissions from 3 submitters: Pathogenic (2); Likely pathogenic (1). Last evaluated 2022-03-15.

Conditions:
Neurofibromatosis, type 1 (NF1). Also called: NEUROFIBROMATOSIS, TYPE I, SOMATIC; VON RECKLINGHAUSEN DISEASE; Peripheral type neurofibromatosis; Neurofibromatosis, type I. Identifiers: Orphanet 636, MedGen C0027831, MONDO:0018975, OMIM 162200. Disease mechanism: loss of function.

Submissions (3):

Genome-Nilou Lab
Classification: Pathogenic for Neurofibromatosis, type 1. Last evaluated: 2022-03-15. Review status: criteria provided, single submitter. Criteria: ACMG Guidelines, 2015. Collection method: clinical testing. Allele origin: germline. Affected: no.

Labcorp Genetics (formerly Invitae), Labcorp
Classification: Pathogenic for Neurofibromatosis, type 1. Last evaluated: 2019-06-25. Review status: criteria provided, single submitter. Criteria: Invitae Variant Classification Sherloc (09022015). Collection method: clinical testing. Allele origin: germline.
Comment: For these reasons, this variant has been classified as Pathogenic. Loss-of-function variants in NF1 are known to be pathogenic (PMID: 10712197, 23913538). This variant has been observed in an individual affected with neurofibromatosis type 1 (PMID: 25325900). This variant is also known as c.4743_4744delAG (p.Glu1582Argfs*39) in the literature. ClinVar contains an entry for this variant (Variation ID: 547649). This variant is not present in population databases (ExAC no frequency). This sequence change creates a premature translational stop signal (p.Glu1561Argfs*39) in the NF1 gene. It is expected to result in an absent or disrupted protein product.

Center for Human Genetics, Inc
Classification: Likely pathogenic for Neurofibromatosis, type 1. Last evaluated: 2016-11-01. Review status: criteria provided, single submitter. Criteria: ACMG Guidelines, 2015. Collection method: clinical testing. Allele origin: germline. Affected: yes.

Literature cited by the submitters: PubMed 10712197 (cited by Labcorp Genetics (formerly Invitae), Labcorp); PubMed 23913538 (cited by Labcorp Genetics (formerly Invitae), Labcorp); PubMed 25325900 (cited by Labcorp Genetics (formerly Invitae), Labcorp).